The following is an entry in ClinVar:

NM_170606.3(KMT2C):c.6277C>T (p.Pro2093Ser)

Gene: KMT2C (lysine methyltransferase 2C; minus strand). Cytogenetic location: 7q36.1.
Variant type: single nucleotide variant.
Coding change: c.6277C>T on transcript NM_170606.3 (MANE Select); coding-DNA position 6277, C replaced by T.
Protein change: p.Pro2093Ser; replaces proline 2093 with serine.
Molecular consequence: missense variant.
Genome position (GRCh38, 1-based): chr7:152,181,583, G>A on the plus strand (C>T on the coding strand, the complement: KMT2C is on the minus strand). VCF-style: chr7-152181583-G-A. GRCh37 (hg19) VCF-style: chr7-151878668-G-A.
Other names: short protein forms P2093S.
Identifiers: ClinVar variation 3116033 (VCV003116033.2), dbSNP rs1587999549, ClinGen allele CA370095630.
Genomic context (GRCh38, chr7:152,181,583, plus strand): 5'-AAGGATGGGCAAAAGATTCATTCACTGCTGGATGTGGGGTAAGGGGAGGCTGACTATATG[G>A]ATCATTTGACTGATTATGAGAAAAATTATCTATAGGTCTTGGTGTCAAAGCAGGCCTTTC-3'
Protein context (NP_733751.2, residues 2083-2103): DNFSHNQSND[Pro2093Ser]YSQPPLTPHP

ClinVar aggregate classification (germline): Uncertain significance. Review status: criteria provided, multiple submitters, no conflicts (2 of 4 stars). 2 submissions from 2 submitters: Uncertain significance (2). Last evaluated 2024-01-17.

Conditions:
Kleefstra syndrome 2 (KLEFS2). Identifiers: MedGen C4540395, MONDO:0054701, OMIM 617768.
Inborn genetic diseases. Identifiers: MedGen C0950123, MeSH D030342.

gnomAD v4.1: 1 of 1,614,030 alleles (0.000062%); highest among the groups gnomAD compares: Non-Finnish European, 0.000085%; no homozygotes.

Submissions (2):

Ambry Genetics
Classification: Uncertain significance for Inborn genetic diseases. Last evaluated: 2024-01-17. Review status: criteria provided, single submitter. Criteria: Ambry Variant Classification Scheme 2023. Collection method: clinical testing. Allele origin: germline.

Laboratorio de Genetica e Diagnostico Molecular, Hospital Israelita Albert Einstein
Classification: Uncertain significance for Kleefstra syndrome 2. Last evaluated: 2023-06-01. Review status: criteria provided, single submitter. Criteria: ACMG Guidelines, 2015. Collection method: clinical testing. Allele origin: germline. Affected: yes.
Comment: ACMG classification criteria: PM2 moderate, BP4 supporting